The following is an entry in ClinVar:

NM_000088.4(COL1A1):c.1163del (p.Pro388fs)

Gene: COL1A1 (collagen type I alpha 1 chain; minus strand). Cytogenetic location: 17q21.33.
Variant type: Deletion.
Coding change: c.1163del on transcript NM_000088.4 (MANE Select); coding-DNA position 1163, one base deleted (C; older notation c.1163delC).
Protein change: p.Pro388fs; shifts the reading frame from proline 388.
Molecular consequence: frameshift variant.
Genome position (GRCh38, 1-based): chr17:50,195,471, G deleted on the plus strand (C on the coding strand, the reverse complement: COL1A1 is on the minus strand); the first of 3 consecutive G bases (chr17:50,195,471-50,195,473); deleting any one gives the same sequence. VCF-style (leftmost placement, unchanged base first): chr17-50195470-AG-A. GRCh37 (hg19) VCF-style: chr17-48272831-AG-A.
Other names: short protein forms P388fs.
Identifiers: ClinVar variation 3893257 (VCV003893257.1).
Genomic context (GRCh38, chr17:50,195,470, plus strand): 5'-ACTGAAGCCTGGCAGGATACTTACATTGGCACCTTTAGCACCAGGCTGTCCATCAGCACC[AG>A]GGTTTCCCTGTGGCACAGAGAAAGGAGTGTCAGCAACAGGCAAGGACTCTGAGGTTAGAA-3'

ClinVar aggregate classification (germline): Pathogenic (1 of 4 stars; one submission).

Conditions:
Osteogenesis imperfecta type I (OI1). Also called: OI, TYPE I; OSTEOGENESIS IMPERFECTA TARDA; OSTEOGENESIS IMPERFECTA WITH BLUE SCLERAE; Classic Non-deforming Osteogenesis Imperfecta with Blue Sclerae; Lobstein disease; Osteogenesis imperfecta type 1. Identifiers: Orphanet 216796, Orphanet 666, MedGen C0023931, MONDO:0008146, OMIM 166200. Disease mechanism: loss of function.

Submission:

Illumina Laboratory Services, Illumina
Classification: Pathogenic for Osteogenesis imperfecta type I. Last evaluated: 2024-04-15. Review status: criteria provided, single submitter. Criteria: ICSLVariantClassificationCriteria RUGD 01 April 2020. Collection method: clinical testing. Allele origin: unknown.
Comment: The COL1A1 c.1163del p.(Pro388LeufsTer153) variant causes a shift in the protein reading frame that is predicted to result in premature termination of the protein. Loss of normal protein function through either protein truncation or nonsense-mediated mRNA decay is expected. To our knowledge, this variant has not been reported in the peer-reviewed literature. This variant is not observed in version 2.1.1 or version 4.0.0 of the Genome Aggregation Database. The p.(Pro388LeufsTer153) variant has been shown to segregate with disease in this family with a phenotype consistent with osteogenesis imperfecta. Based on the available evidence, the c.1163del p.(Pro388LeufsTer153) variant is classified as pathogenic for osteogenesis imperfecta, type 1.